The following is an entry in ClinVar:

NM_022124.6(CDH23):c.5505G>A (p.Met1835Ile)

Gene: CDH23 (cadherin related 23; plus strand). Cytogenetic location: 10q22.1.
Variant type: single nucleotide variant.
Coding change: c.5505G>A on transcript NM_022124.6 (MANE Select); coding-DNA position 5505, G replaced by A.
Protein change: p.Met1835Ile; replaces methionine 1835 with isoleucine.
Molecular consequence: missense variant.
Genome position (GRCh38, 1-based): chr10:71,784,893, G>A. VCF-style: chr10-71784893-G-A. GRCh37 (hg19) VCF-style: chr10-73544650-G-A.
Other names: short protein forms M1835I.
Identifiers: ClinVar variation 45983 (VCV000045983.15), dbSNP rs200786014, ClinGen allele CA137494.

ClinVar aggregate classification (germline): Conflicting classifications of pathogenicity. Review status: criteria provided, conflicting classifications (1 of 4 stars). 6 submissions from 6 submitters: Uncertain significance (5); Likely benign (1). Last evaluated 2026-05-22.

Conditions:
Childhood onset hearing loss.

Allele frequency attached by ClinVar (database versions not stated): gnomAD exomes 0.00003 and 0.00012; ExAC 0.00015; 1000 Genomes Project 0.00020; 1000 Genomes Project 30x 0.00031; ESP Exome Variant Server 0.00039; gnomAD 0.00047 and 0.00053; TOPMed 0.00054.

Submissions (6):

GeneDx
Classification: Uncertain significance. Last evaluated: 2026-05-22. Review status: criteria provided, single submitter. Criteria: GeneDx Variant Classification Process June 2021. Collection method: clinical testing. Allele origin: germline.
Comment: Reported with a second variant, phase unknown, in an individual with hearing loss in published literature (PMID: 34837038); In silico analysis supports that this missense variant has a deleterious effect on protein structure/function; This variant is associated with the following publications: (PMID: 34837038, 34374074)

Labcorp Genetics (formerly Invitae), Labcorp
Classification: Uncertain significance. Last evaluated: 2022-09-06. Review status: criteria provided, single submitter. Criteria: Invitae Variant Classification Sherloc (09022015). Collection method: clinical testing. Allele origin: germline.
Comment: This sequence change replaces methionine, which is neutral and non-polar, with isoleucine, which is neutral and non-polar, at codon 1835 of the CDH23 protein (p.Met1835Ile). This variant is present in population databases (rs200786014, gnomAD 0.2%). This variant has not been reported in the literature in individuals affected with CDH23-related conditions. ClinVar contains an entry for this variant (Variation ID: 45983). Algorithms developed to predict the effect of missense changes on protein structure and function are either unavailable or do not agree on the potential impact of this missense change (SIFT: "Deleterious"; PolyPhen-2: "Not Available"; Align-GVGD: "Class C0"). In summary, the available evidence is currently insufficient to determine the role of this variant in disease. Therefore, it has been classified as a Variant of Uncertain Significance.

National Institute on Deafness and Communication Disorders, National Institutes of Health
Classification: Uncertain significance for Childhood onset hearing loss. Last evaluated: 2021-07-08. Review status: criteria provided, single submitter. Criteria: ClinGen HL ACMG Specifications v1. Collection method: research. Allele origin: germline. Inheritance: Autosomal recessive inheritance. Affected: yes. Observed: 1 heterozygote. Segregation with disease not observed.
Comment: BP4 / Modifications from PMID: 30311386 for classification: The genetic causes of hearing loss have not yet been well characterized in the Yoruba population, and the information regarding variant MAF in this population is still limited, so we did not exclude any variant based on their "high" MAF. PP3 criteria was applied even if the REVEL score was below 0.7, if at least two of the pathogenicity prediction algorithms used predicted that the variant was damaging or likely damaging.

was found associated with NM_022124.6:c.9726del

Blueprint Genetics
Classification: Uncertain significance. Last evaluated: 2021-05-27. Review status: criteria provided, single submitter. Criteria: ACMG Guidelines, 2015. Collection method: clinical testing. Allele origin: germline.

Eurofins Ntd Llc (ga)
Classification: Uncertain significance. Last evaluated: 2017-11-08. Review status: criteria provided, single submitter. Criteria: EGL Classification Definitions 2015. Collection method: clinical testing. Allele origin: germline. Observed: 1 variant allele, 1 heterozygote.

Laboratory for Molecular Medicine, Mass General Brigham Personalized Medicine
Classification: Likely benign. Last evaluated: 2014-11-10. Review status: criteria provided, single submitter. Criteria: LMM Criteria. Collection method: clinical testing. Allele origin: germline. Observed: 3 variant alleles.
Comment: p.Met1835Ile in exon 43 of CDH23: This variant is not expected to have clinical significance due to a lack of conservation across species. Of note, the platypus and seven bird species have an isoleucine (Ile) at this position despite high n earby amino acid conservation. It has been identified in 0.1% (5/4282) of Africa n American chromosomes by the NHLBI Exome Sequencing Project (dbSNP rs200786014).